The following is an entry in ClinVar:

ClinVar aggregate classification (germline): Uncertain significance (1 of 4 stars; one submission).

Conditions:
Cardiomyopathy (CMYO). Also called: Cardiomyopathies. Identifiers: Orphanet 167848, MedGen C0878544, MONDO:0004994, HP:0001638. Inheritance: Various modes of inheritance.

gnomAD v4.1: 2 of 1,613,750 alleles (0.00012%); highest among the groups gnomAD compares: Non-Finnish European, 0.00017%; no homozygotes.

Submission:

Color Diagnostics, LLC DBA Color Health
Classification: Uncertain significance for Cardiomyopathy. Last evaluated: 2025-08-30. Review status: criteria provided, single submitter. Criteria: ACMG Guidelines, 2015. Collection method: clinical testing. Allele origin: germline.
Comment: This missense variant replaces threonine with alanine at codon 198 of the DSC2 protein. Computational prediction suggests that this variant may not impact protein structure and function. To our knowledge, functional studies have not been reported for this variant. This variant has not been reported in individuals affected with DSC2-related disorders in the literature. This variant has been identified in 1/31378 chromosomes in the general population by the Genome Aggregation Database (gnomAD). The available evidence is insufficient to determine the role of this variant in disease conclusively. Therefore, this variant is classified as a Variant of Uncertain Significance.

NM_024422.6(DSC2):c.592A>G (p.Thr198Ala)

Gene: DSC2 (desmocollin 2; minus strand). Cytogenetic location: 18q12.1.
Variant type: single nucleotide variant.
Coding change: c.592A>G on transcript NM_024422.6 (MANE Select); coding-DNA position 592, A replaced by G.
Protein change: p.Thr198Ala; replaces threonine 198 with alanine.
Molecular consequence: missense variant.
Genome position (GRCh38, 1-based): chr18:31,089,477, T>C on the plus strand (A>G on the coding strand, the complement: DSC2 is on the minus strand). VCF-style: chr18-31089477-T-C. GRCh37 (hg19) VCF-style: chr18-28669440-T-C.
Other names: c.163A>G, p.Thr55Ala (NM_001406506.1, NM_001406507.1); c.592A>G, p.Thr198Ala (NM_004949.5); short protein forms T198A, T55A.
Identifiers: ClinVar variation 4756203 (VCV004756203.1).
Genomic context (GRCh38, chr18:31,089,477, plus strand): 5'-GTACACACATTTTAGACTTTACCTCAAAAGATTCATACTGCTCACGATCTACAGGACGAG[T>C]ACAATACAAGTTTCCAGTGTCTCTCTCCACATAAAATAAATTCCGAGGTTCTTGGTCAAC-3'
Protein context (NP_077740.1, residues 188-208): VERDTGNLYC[Thr198Ala]RPVDREQYES